The following is an entry in ClinVar:

ClinVar aggregate classification (germline): Uncertain significance (1 of 4 stars; one submission).

Conditions:
Muscular dystrophy, congenital, with cataracts and impaired intellectual development. Also called: Congenital muscular dystrophy with cataracts and intellectual disability. Identifiers: Orphanet 662184, MedGen C4479410, MONDO:0024607, OMIM 617404.

Allele frequency attached by ClinVar (database versions not stated): gnomAD exomes below 0.00001; ExAC 0.00001.

Submission:

Foundation for Research in Genetics and Endocrinology, FRIGE's Institute of Human Genetics
Classification: Uncertain significance for Muscular dystrophy, congenital, with cataracts and impaired intellectual development. Last evaluated: 2021-12-03. Review status: criteria provided, single submitter. Criteria: ACMG Guidelines, 2015. Collection method: clinical testing. Allele origin: germline. Inheritance: Autosomal recessive inheritance. Affected: yes. Observed: 1 homozygote.
Comment: A homozygous missense variation in exon 11 of the INPP5K gene that results in the amino acid substitution of Threonine for Serine at codon 416 was detected. The observed variant c.1247G>C (p.Ser416Thr) has not been reported in the 1000 genomes and gnomAD database respectively. The in silico prediction of the variant are probably damaging by PolyPhen-2 and damaging by SIFT and LRT. The reference codon is conserved across species. In summary, the variant meets our criteria to be classified as a variant of uncertain significance.

NM_016532.4(INPP5K):c.1247G>C (p.Ser416Thr)

Gene: INPP5K (inositol polyphosphate-5-phosphatase K; minus strand). Cytogenetic location: 17p13.3.
Variant type: single nucleotide variant.
Coding change: c.1247G>C on transcript NM_016532.4 (MANE Select); coding-DNA position 1247, G replaced by C.
Protein change: p.Ser416Thr; replaces serine 416 with threonine.
Molecular consequence: missense variant.
Genome position (GRCh38, 1-based): chr17:1,496,103, C>G on the plus strand (G>C on the coding strand, the complement: INPP5K is on the minus strand). VCF-style: chr17-1496103-C-G. GRCh37 (hg19) VCF-style: chr17-1399397-C-G.
Other names: p.Ser416Thr; c.1019G>C, p.Ser340Thr (NM_001135642.2, NM_130766.3); short protein forms S340T, S416T.
Identifiers: ClinVar variation 1710488 (VCV001710488.3), dbSNP rs777736302, ClinGen allele CA8268313.